The following is an entry in ClinVar:

NM_006005.3(WFS1):c.881A>T (p.His294Leu)

Gene: WFS1 (wolframin ER transmembrane glycoprotein; plus strand). Cytogenetic location: 4p16.1.
Variant type: single nucleotide variant.
Coding change: c.881A>T on transcript NM_006005.3 (MANE Select); coding-DNA position 881, A replaced by T.
Protein change: p.His294Leu; replaces histidine 294 with leucine.
Molecular consequence: missense variant.
Genome position (GRCh38, 1-based): chr4:6,300,676, A>T. VCF-style: chr4-6300676-A-T. GRCh37 (hg19) VCF-style: chr4-6302403-A-T.
Other names: c.881A>T, p.His294Leu (NM_001145853.1); short protein forms H294L.
Identifiers: ClinVar variation 166579 (VCV000166579.6), dbSNP rs727503748, ClinGen allele CA179635.

ClinVar aggregate classification (germline): Uncertain significance/Uncertain risk allele. Review status: criteria provided, multiple submitters, no conflicts (2 of 4 stars). 2 submissions from 2 submitters: Uncertain significance (1); Uncertain risk allele (1). Last evaluated 2014-03-15.

Conditions:
Wolfram syndrome 1 (WFS1). Identifiers: Orphanet 3463, MedGen C4551693, MONDO:0009101, OMIM 222300.

Allele frequency attached by ClinVar (database versions not stated): gnomAD exomes below 0.00001.

Submissions (2):

Laboratory for Molecular Medicine, Mass General Brigham Personalized Medicine
Classification: Uncertain significance. Last evaluated: 2014-03-15. Review status: criteria provided, single submitter. Criteria: LMM Criteria. Collection method: clinical testing. Allele origin: germline. Observed: 1 variant allele.
Comment: The His294Leu variant in WFS1 has not been previously reported in individuals wi th hearing loss and was absent from large population studies. Computational pred iction tools and conservation analyses do not provide strong support for or agai nst an impact to the protein. In summary, additional information is needed to de termine the clinical significance of this variant.

Clinical Genomics, Uppaluri K&H Personalized Medicine Clinic
Classification: Uncertain risk allele for Wolfram syndrome 1. Review status: criteria provided, single submitter. Criteria: K & H Uppaluri Personalized Medicine Clinic Variant Classification & Assertion Criteria_Updated V.1. Collection method: research. Allele origin: unknown. Inheritance: Autosomal recessive inheritance.
Comment: Potent mutations in WFS1 gene are associated with Wolfram's syndrome, an autosomal recessive condition, which cause diabetes mellitus, diabetes insipidus, deafness and optic atrophy. However no sufficient evidence is found to ascertain the role of this particular variant rs727503748 in Wolfram's syndrome yet.

Literature cited by the submitters: PubMed 20738327 (cited by Clinical Genomics, Uppaluri K&H Personalized Medicine Clinic); PubMed 33879153 (cited by Clinical Genomics, Uppaluri K&H Personalized Medicine Clinic); PubMed 12955714 (cited by Clinical Genomics, Uppaluri K&H Personalized Medicine Clinic); PubMed 18060660 (cited by Clinical Genomics, Uppaluri K&H Personalized Medicine Clinic); PubMed 20301750 (cited by Clinical Genomics, Uppaluri K&H Personalized Medicine Clinic); PubMed 17603484 (cited by Clinical Genomics, Uppaluri K&H Personalized Medicine Clinic).